The following is an entry in ClinVar:

ClinVar aggregate classification (germline): Uncertain significance. Review status: criteria provided, multiple submitters, no conflicts (2 of 4 stars). 11 submissions from 11 submitters: Uncertain significance (10). 1 of the submissions does not count toward it. Last evaluated 2025-11-10.

Conditions:
Hirschsprung disease, susceptibility to, 1 (HSCR1). Also called: RET-Related Hirschsprung Disease. Identifiers: Orphanet 388, MedGen C3888239, MONDO:0007723, OMIM 142623.
Multiple endocrine neoplasia type 2B. Also called: WAGENMANN-FROBOESE SYNDROME; MULTIPLE ENDOCRINE NEOPLASIA, TYPE III; MULTIPLE ENDOCRINE NEOPLASIA, TYPE IIB; MEN IIB; NEUROMATA, MUCOSAL, WITH ENDOCRINE TUMORS; MEN 2B. Identifiers: Orphanet 247709, Orphanet 653, MedGen C0025269, MeSH D018814, MONDO:0008082, OMIM 162300.
Pheochromocytoma. Also called: MAX-Related Hereditary Paraganglioma-Pheochromocytoma Syndrome. Identifiers: Orphanet 29072, MedGen C0031511, MONDO:0008233, OMIM 171300, HP:0002666.
Familial medullary thyroid carcinoma (MTC). Also called: Thyroid cancer, familial medullary; MTC, familial; Familial Medullary Thyroid Carcinoma (FMTC). Identifiers: Orphanet 653, Orphanet 99361, MedGen C1833921, MONDO:0007958, OMIM 155240.
Multiple endocrine neoplasia type 2A. Also called: Multiple Endocrine Neoplasia Type 2A (MEN2A); MULTIPLE ENDOCRINE NEOPLASIA, TYPE IIA; PTC SYNDROME; SIPPLE SYNDROME; MEN 2A; MEN-2A syndrome. Identifiers: Orphanet 247698, Orphanet 653, MedGen C0025268, MeSH D018813, MONDO:0008234, OMIM 171400.
Hereditary cancer-predisposing syndrome. Also called: Tumor predisposition; Hereditary Cancer Syndrome; Hereditary neoplastic syndrome; Neoplastic Syndromes, Hereditary. Identifiers: Orphanet 140162, MedGen C0027672, MeSH D009386, MONDO:0015356.
Multiple endocrine neoplasia, type 2 (MEN2). Identifiers: Orphanet 653, MedGen C4048306, MONDO:0019003. Disease mechanism: gain of function.
RET-related disorder. Also called: RET-related condition; RET-related disease; RET-related disorders.

Allele frequency attached by ClinVar (database versions not stated): ExAC 0.00001; gnomAD 0.00002; gnomAD exomes 0.00002 and 0.00003; TOPMed 0.00004.
gnomAD v4.1: 46 of 1,614,046 alleles (0.0028%); highest among the groups gnomAD compares: Non-Finnish European, 0.0035%; no homozygotes.

Submissions (11):

Labcorp Genetics (formerly Invitae), Labcorp
Classification: Uncertain significance for Multiple endocrine neoplasia, type 2. Last evaluated: 2025-11-10. Review status: criteria provided, single submitter. Criteria: Invitae Variant Classification Sherloc (09022015). Collection method: clinical testing. Allele origin: germline.
Comment: This sequence change replaces threonine, which is neutral and polar, with methionine, which is neutral and non-polar, at codon 1078 of the RET protein (p.Thr1078Met). This variant is present in population databases (rs762952212, gnomAD 0.006%). This missense change has been observed in individual(s) with clinical symptoms of RET-related conditions (internal data). ClinVar contains an entry for this variant (Variation ID: 405556). An algorithm developed to predict the effect of missense changes on protein structure and function (PolyPhen-2) suggests that this variant is likely to be disruptive. Algorithms developed to predict the effect of sequence changes on RNA splicing suggest that this variant may disrupt the consensus splice site. In summary, the available evidence is currently insufficient to determine the role of this variant in disease. Therefore, it has been classified as a Variant of Uncertain Significance.

All of Us Research Program, National Institutes of Health
Classification: Uncertain significance for Multiple endocrine neoplasia, type 2. Last evaluated: 2024-09-27. Review status: criteria provided, single submitter. Criteria: ACMG Guidelines, 2015. Collection method: clinical testing. Allele origin: germline. Inheritance: Autosomal dominant inheritance. Observed: 14 variant alleles, 14 heterozygotes.
Comment: This missense variant replaces threonine with methionine at codon 1078 of the RET protein. Computational prediction suggests that this variant may not impact protein structure and function (internally defined REVEL score threshold <= 0.5, PMID: 27666373). To our knowledge, functional studies have not been reported for this variant. This variant has not been reported as a germline mutation in individuals affected with hereditary cancer in the literature. This variant has been identified in 6/251490 chromosomes in the general population by the Genome Aggregation Database (gnomAD). The available evidence is insufficient to determine the role of this variant in disease conclusively. Therefore, this variant is classified as a Variant of Uncertain Significance.

This study involves interpretation of variants in research participants for the purpose of population health screening. Participant phenotype was not available at the time of variant classification. Additional details can be found in publication PMID: 35346344, PMCID: PMC8962531

Ambry Genetics
Classification: Uncertain significance for Hereditary cancer-predisposing syndrome. Last evaluated: 2024-05-27. Review status: criteria provided, single submitter. Criteria: Ambry Variant Classification Scheme 2023. Collection method: clinical testing. Allele origin: germline.
Comment: The p.T1078M variant (also known as c.3233C>T), located in coding exon 20 of the RET gene, results from a C to T substitution at nucleotide position 3233. The threonine at codon 1078 is replaced by methionine, an amino acid with similar properties. Based on data from gnomAD, the frequency for this variant is above the maximum credible frequency for a MEN2 disease-causing variant in this gene based on internally established thresholds (Karczewski et al. Nature. 2020 May;581(7809):434-443; Whiffin et al. Genet Med. 2017 10;19:1151-1158). This amino acid position is well conserved in available vertebrate species. In addition, the in silico prediction for this alteration is inconclusive. Based on the supporting evidence, the association of this alteration with Hirschsprung disease is unknown; however, the association of this alteration with MEN2 is unlikely.

Fulgent Genetics
Classification: Uncertain significance for Hirschsprung disease, susceptibility to, 1; Familial medullary thyroid carcinoma; Multiple endocrine neoplasia type 2B; Pheochromocytoma; Multiple endocrine neoplasia type 2A. Last evaluated: 2024-05-10. Review status: criteria provided, single submitter. Criteria: ACMG Guidelines, 2015. Collection method: clinical testing. Allele origin: germline.

Color Diagnostics, LLC DBA Color Health
Classification: Uncertain significance for Multiple endocrine neoplasia, type 2. Last evaluated: 2024-02-22. Review status: criteria provided, single submitter. Criteria: ACMG Guidelines, 2015. Collection method: clinical testing. Allele origin: germline.
Comment: This missense variant replaces threonine with methionine at codon 1078 of the RET protein. Computational prediction suggests that this variant may not impact protein structure and function (internally defined REVEL score threshold <= 0.5, PMID: 27666373). To our knowledge, functional studies have not been reported for this variant. This variant has not been reported as a germline mutation in individuals affected with hereditary cancer in the literature. This variant has been identified in 6/251490 chromosomes in the general population by the Genome Aggregation Database (gnomAD). The available evidence is insufficient to determine the role of this variant in disease conclusively. Therefore, this variant is classified as a Variant of Uncertain Significance.

GeneDx
Classification: Uncertain significance. Last evaluated: 2024-01-16. Review status: criteria provided, single submitter. Criteria: GeneDx Variant Classification Process June 2021. Collection method: clinical testing. Allele origin: germline. Affected: yes.
Comment: In silico analysis supports that this missense variant does not alter protein structure/function; Observed in an individual with clear cell renal carcinoma (PMID: 29684080); This variant is associated with the following publications: (PMID: 36657661, 14633923, 35383193, 25922291, 29684080)

Baylor Genetics
Classification: Uncertain significance for Hirschsprung disease, susceptibility to, 1. Last evaluated: 2023-09-30. Review status: criteria provided, single submitter. Criteria: ACMG Guidelines, 2015. Collection method: clinical testing. Allele origin: unknown.

St. Jude Molecular Pathology, St. Jude Children's Research Hospital
Classification: Uncertain significance for Multiple endocrine neoplasia type 2A. Last evaluated: 2022-08-29. Review status: criteria provided, single submitter. Criteria: St. Jude Assertion Criteria 2020. Collection method: clinical testing. Allele origin: germline.
Comment: The RET c.3233C>T (p.Thr1078Met) missense change has a maximum subpopulation frequency of 0.0065% in gnomAD v2.1.1. The in silico tool REVEL is inconclusive about a pathogenic or benign effect of this variant on protein function, and to our knowledge functional studies have not been performed. To our knowledge, this variant has not been reported in the literature in individuals with multiple endocrine neoplasia type 2. In summary, the evidence currently available is insufficient to determine the clinical significance of this variant. It has therefore been classified as of uncertain significance.

Women's Health and Genetics/Laboratory Corporation of America, LabCorp
Classification: Uncertain significance. Last evaluated: 2022-02-07. Review status: criteria provided, single submitter. Criteria: LabCorp Variant Classification Summary - May 2015. Collection method: clinical testing. Allele origin: germline.
Comment: Variant summary: RET c.3233C>T (p.Thr1078Met) results in a non-conservative amino acid change in the encoded protein sequence. Five of five in-silico tools predict a damaging effect of the variant on protein function. The variant allele was found at a frequency of 2.4e-05 in 251490 control chromosomes. The available data on variant occurrences in the general population are insufficient to allow any conclusion about variant significance. To our knowledge, no occurrence of c.3233C>T in individuals affected with Multiple Endocrine Neoplasia Type 2 and no experimental evidence demonstrating its impact on protein function have been reported. Three clinical diagnostic laboratories have submitted clinical-significance assessments for this variant to ClinVar after 2014 without evidence for independent evaluation. All laboratories classified the variant as uncertain significance. Based on the evidence outlined above, the variant was classified as uncertain significance.

Genetic Services Laboratory, University of Chicago
Classification: Uncertain significance. Last evaluated: 2021-08-09. Review status: criteria provided, single submitter. Criteria: ACMG Guidelines, 2015. Collection method: clinical testing. Allele origin: germline. Affected: no.
Comment: DNA sequence analysis of the RET gene demonstrated a sequence change, c.3233C>T, in exon 20 that results in an amino acid change, p.Thr1078Met. This sequence change does not appear to have been previously described in patients with RET-related disorders. This sequence change has been described in the gnomAD database with a low population frequency of 0.002% (dbSNP rs762952212). The p.Thr1078Met change affects a poorly conserved amino acid residue of the RET protein. In-silico pathogenicity prediction tools (SIFT, PolyPhen2, Align GVGD, REVEL) provide contradictory results for the p.Thr1078Met substitution. Due to these contrasting evidences and the lack of functional studies, the clinical significance of the p.Thr1078Met change remains unknown at this time.

PreventionGenetics, part of Exact Sciences
Classification: Uncertain significance for RET-related condition. Last evaluated: 2024-09-09. Review status: no assertion criteria provided. Collection method: clinical testing. Allele origin: germline. Not counted in ClinVar's aggregate classification.
Comment: The RET c.3233C>T variant is predicted to result in the amino acid substitution p.Thr1078Met. This variant was reported in an individual with kidney renal clear cell carcinoma (Yehia et al. 2018. PubMed ID: 29684080). This variant is reported in 0.0065% of alleles in individuals of South Asian descent in gnomAD and is interpreted as uncertain in ClinVar. At this time, the clinical significance of this variant is uncertain due to the absence of conclusive functional and genetic evidence.

Literature cited by the submitters: PubMed 29684080 (cited by Ambry Genetics).

NM_020975.6(RET):c.3233C>T (p.Thr1078Met)

Gene: RET (ret proto-oncogene; plus strand). Cytogenetic location: 10q11.21.
Variant type: single nucleotide variant.
Coding change: c.3233C>T on transcript NM_020975.6 (MANE Select); coding-DNA position 3233, C replaced by T.
Protein change: p.Thr1078Met; replaces threonine 1078 with methionine.
Molecular consequence: missense variant.
Genome position (GRCh38, 1-based): chr10:43,128,157, C>T. VCF-style: chr10-43128157-C-T. GRCh37 (hg19) VCF-style: chr10-43623605-C-T.
Other names: c.3233C>T (LRG_518t1); short protein forms T1078M.
Identifiers: ClinVar variation 405556 (VCV000405556.26), dbSNP rs762952212, ClinGen allele CA054844.
Genomic context (GRCh38, chr10:43,128,157, plus strand): 5'-TGTTTTCATTTTTAGGCATGTCAGACCCGAACTGGCCTGGAGAGAGTCCTGTACCACTCA[C>T]GAGAGCTGATGGCACTAACACTGGGTTTCCAAGATATCCAAATGATAGTGTATATGCTAA-3'
Protein context (NP_066124.1, residues 1068-1088): NWPGESPVPL[Thr1078Met]RADGTNTGFP